The following is an entry in ClinVar:

NM_000465.4(BARD1):c.683A>T (p.Glu228Val)

Gene: BARD1 (BRCA1 associated RING domain 1; minus strand). Cytogenetic location: 2q35.
Variant type: single nucleotide variant.
Coding change: c.683A>T on transcript NM_000465.4 (MANE Select); coding-DNA position 683, A replaced by T.
Protein change: p.Glu228Val; replaces glutamic acid 228 with valine.
Molecular consequence: missense variant. On other transcripts: non-coding transcript variant (2), intron variant (3).
Genome position (GRCh38, 1-based): chr2:214,781,191, T>A on the plus strand (A>T on the coding strand, the complement: BARD1 is on the minus strand). VCF-style: chr2-214781191-T-A. GRCh37 (hg19) VCF-style: chr2-215645915-T-A.
Other names: c.683A>T (NM_000465.2); c.626A>T, p.Glu209Val (NM_001282543.2); c.158+28221A>T (NM_001282548.2); c.215+15870A>T (NM_001282545.2); c.364+11106A>T (NM_001282549.2); short protein forms E209V, E228V.
Identifiers: ClinVar variation 1437373 (VCV001437373.8), dbSNP rs2106110998, ClinGen allele CA350456430.
Genomic context (GRCh38, chr2:214,781,191, plus strand): 5'-ACAGATGGTTGGCTACAGAAGGATACCAGCTTTTGCTTAGATTCCTCTTTGGAGTCAAAT[T>A]CACCATCTTCTTTTTCTGCCTCTAAATTCCATTTTTGGTTGATTTCAGCTAAAGTTTTCT-3'
Protein context (NP_000456.2, residues 218-238): WNLEAEKEDG[Glu228Val]FDSKEESKQK

ClinVar aggregate classification (germline): Uncertain significance. Review status: criteria provided, multiple submitters, no conflicts (2 of 4 stars). 2 submissions from 2 submitters: Uncertain significance (2). Last evaluated 2025-06-23.

Conditions:
Hereditary cancer-predisposing syndrome. Also called: Neoplastic Syndromes, Hereditary; Hereditary Cancer Syndrome; Hereditary neoplastic syndrome; Tumor predisposition. Identifiers: Orphanet 140162, MedGen C0027672, MeSH D009386, MONDO:0015356.
Familial cancer of breast. Also called: hereditary breast carcinoma; BREAST CANCER, FAMILIAL; Hereditary breast cancer. Identifiers: Orphanet 227535, MedGen C0346153, MONDO:0016419, OMIM 114480. Disease mechanism: loss of function.

Submissions (2):

Ambry Genetics
Classification: Uncertain significance for Hereditary cancer-predisposing syndrome. Last evaluated: 2025-06-23. Review status: criteria provided, single submitter. Criteria: Ambry Variant Classification Scheme 2023. Collection method: clinical testing. Allele origin: germline.
Comment: The p.E228V variant (also known as c.683A>T), located in coding exon 4 of the BARD1 gene, results from an A to T substitution at nucleotide position 683. The glutamic acid at codon 228 is replaced by valine, an amino acid with dissimilar properties. This amino acid position is conserved. In addition, this alteration is predicted to be tolerated by in silico analysis. Based on the available evidence, the clinical significance of this variant remains unclear.

Labcorp Genetics (formerly Invitae), Labcorp
Classification: Uncertain significance for Familial cancer of breast. Last evaluated: 2021-09-29. Review status: criteria provided, single submitter. Criteria: Invitae Variant Classification Sherloc (09022015). Collection method: clinical testing. Allele origin: germline.
Comment: This sequence change replaces glutamic acid with valine at codon 228 of the BARD1 protein (p.Glu228Val). The glutamic acid residue is moderately conserved and there is a moderate physicochemical difference between glutamic acid and valine. This variant is not present in population databases (ExAC no frequency). This variant has not been reported in the literature in individuals affected with BARD1-related conditions. Algorithms developed to predict the effect of missense changes on protein structure and function (SIFT, PolyPhen-2, Align-GVGD) all suggest that this variant is likely to be tolerated. In summary, the available evidence is currently insufficient to determine the role of this variant in disease. Therefore, it has been classified as a Variant of Uncertain Significance.